The following is an entry in ClinVar:

NM_001079866.2(BCS1L):c.5C>T (p.Pro2Leu)

Gene: BCS1L (BCS1 homolog, ubiquinol-cytochrome c reductase complex chaperone; plus strand). Cytogenetic location: 2q35.
Variant type: single nucleotide variant.
Coding change: c.5C>T on transcript NM_001079866.2 (MANE Select); coding-DNA position 5, C replaced by T.
Protein change: p.Pro2Leu; replaces proline 2 with leucine.
Molecular consequence: missense variant. On other transcripts: 5 prime UTR variant (5), non-coding transcript variant (1), intron variant (3).
Genome position (GRCh38, 1-based): chr2:218,660,992, C>T. VCF-style: chr2-218660992-C-T. GRCh37 (hg19) VCF-style: chr2-219525715-C-T.
Other names: c.5C>T, p.Pro2Leu (NM_001257342.2, NM_001257343.2, NM_001257344.2 and 10 more transcripts); c.-472C>T (NM_001371453.1, NM_001371454.1, NM_001371455.1 and 2 more transcripts); c.-41+244C>T (NM_001371451.1); c.-40-414C>T (NM_001318836.2); c.-41-767C>T (NM_001371452.1); short protein forms P2L.
Identifiers: ClinVar variation 2040790 (VCV002040790.1), dbSNP rs1939326237, ClinGen allele CA350624667.

ClinVar aggregate classification (germline): Uncertain significance (1 of 4 stars; one submission).

Submission:

Labcorp Genetics (formerly Invitae), Labcorp
Classification: Uncertain significance. Last evaluated: 2022-07-14. Review status: criteria provided, single submitter. Criteria: Invitae Variant Classification Sherloc (09022015). Collection method: clinical testing. Allele origin: germline.
Comment: This sequence change replaces proline, which is neutral and non-polar, with leucine, which is neutral and non-polar, at codon 2 of the BCS1L protein (p.Pro2Leu). This variant is not present in population databases (gnomAD no frequency). This variant has not been reported in the literature in individuals affected with BCS1L-related conditions. Advanced modeling of protein sequence and biophysical properties (such as structural, functional, and spatial information, amino acid conservation, physicochemical variation, residue mobility, and thermodynamic stability) performed at Invitae indicates that this missense variant is expected to disrupt BCS1L protein function. In summary, the available evidence is currently insufficient to determine the role of this variant in disease. Therefore, it has been classified as a Variant of Uncertain Significance.